The following is an entry in ClinVar:

ClinVar aggregate classification (germline): Benign (1 of 4 stars; one submission).

Allele frequency attached by ClinVar (database versions not stated): 1000 Genomes Project 0.49581; gnomAD 0.37396 and 0.38610; TOPMed 0.39604; 1000 Genomes Project 30x 0.48798.
gnomAD v4.1: 590,931 of 1,445,820 alleles (41%); highest among the groups gnomAD compares: East Asian, 81%; 128,417 homozygotes.

Submission:

GeneDx
Classification: Benign. Last evaluated: 2018-06-14. Review status: criteria provided, single submitter. Criteria: GeneDx Variant Classification (06012015). Collection method: clinical testing. Allele origin: germline. Affected: yes.
Comment: This variant is considered likely benign or benign based on one or more of the following criteria: it is a conservative change, it occurs at a poorly conserved position in the protein, it is predicted to be benign by multiple in silico algorithms, and/or has population frequency not consistent with disease.

NM_006073.4(TRDN):c.232+67C>T

Gene: TRDN (triadin; minus strand). Cytogenetic location: 6q22.31.
Variant type: single nucleotide variant.
Coding change: c.232+67C>T on transcript NM_006073.4 (MANE Select); 67 bases into the intron after coding-DNA position 232, C replaced by T.
Molecular consequence: intron variant.
Genome position (GRCh38, 1-based): chr6:123,570,856, G>A on the plus strand (C>T on the coding strand, the complement: TRDN is on the minus strand). VCF-style: chr6-123570856-G-A. GRCh37 (hg19) VCF-style: chr6-123892001-G-A.
Other names: c.232+67C>T (NM_001251987.2, NM_001256020.2, NM_001256021.2 and 1 more transcripts).
Identifiers: ClinVar variation 674795 (VCV000674795.1), dbSNP rs2145735, ClinGen allele CA15462142.
Genomic context (GRCh38, chr6:123,570,856, plus strand): 5'-AGCACATTTGTGGGGTGTTTCTTCCTCACACTAAGATGAAACAGAAACCAAGCAGGAACT[G>A]GAGGGGACACTGTTTCTTTCCATTTGAATTAATTTTAATTTTAAAGCCAAATTTTATGGA-3'